The following is an entry in ClinVar:

ClinVar aggregate classification (germline): Uncertain significance (1 of 4 stars; one submission).

gnomAD v4.1: 4 of 1,613,412 alleles (0.00025%); highest among the groups gnomAD compares: Admixed American, 0.005%; no homozygotes.

Submission:

Labcorp Genetics (formerly Invitae), Labcorp
Classification: Uncertain significance. Last evaluated: 2025-10-09. Review status: criteria provided, single submitter. Criteria: Invitae Variant Classification Sherloc (09022015). Collection method: clinical testing. Allele origin: germline.
Comment: This sequence change replaces valine, which is neutral and non-polar, with isoleucine, which is neutral and non-polar, at codon 931 of the C3 protein (p.Val931Ile). This variant is present in population databases (no rsID available, gnomAD 0.003%). This variant has not been reported in the literature in individuals affected with C3-related conditions. Invitae Evidence Modeling of protein sequence and biophysical properties (such as structural, functional, and spatial information, amino acid conservation, physicochemical variation, residue mobility, and thermodynamic stability) indicates that this missense variant is not expected to disrupt C3 protein function with a negative predictive value of 80%. In summary, the available evidence is currently insufficient to determine the role of this variant in disease. Therefore, it has been classified as a Variant of Uncertain Significance.

NM_000064.4(C3):c.2791G>A (p.Val931Ile)

Gene: C3 (complement C3; minus strand). Cytogenetic location: 19p13.3.
Variant type: single nucleotide variant.
Coding change: c.2791G>A on transcript NM_000064.4 (MANE Select); coding-DNA position 2791, G replaced by A.
Protein change: p.Val931Ile; replaces valine 931 with isoleucine.
Molecular consequence: missense variant.
Genome position (GRCh38, 1-based): chr19:6,697,349, C>T on the plus strand (G>A on the coding strand, the complement: C3 is on the minus strand). VCF-style: chr19-6697349-C-T. GRCh37 (hg19) VCF-style: chr19-6697360-C-T.
Other names: short protein forms V931I.
Identifiers: ClinVar variation 4743060 (VCV004743060.1).
Genomic context (GRCh38, chr19:6,697,349, plus strand): 5'-AAGACCAGGAGCCCTCTCTGAAGGACAAGGGTTTGTGGGTGCCCCAAGCACTCACCACGA[C>T]CTTCAGGGACTTCCTGACACCGTCACTGATGAAATGATGGTAGACAGCAGCCTTGACTTC-3'
Protein context (NP_000055.2, residues 921-941): ISDGVRKSLK[Val931Ile]VPEGIRMNKT